The following is an entry in ClinVar:

ClinVar aggregate classification (germline): Likely benign (0 of 4 stars; one submission).

Conditions:
APC-related disorder. Also called: APC-related condition.

Allele frequency attached by ClinVar (database versions not stated): gnomAD 0.00004; TOPMed 0.00003; gnomAD exomes 0.00004.
gnomAD v4.1: 25 of 611,194 alleles (0.0041%); highest among the groups gnomAD compares: Admixed American, 0.0063%; no homozygotes.

Submission:

PreventionGenetics, part of Exact Sciences
Classification: Likely benign for APC-related condition. Last evaluated: 2019-08-28. Review status: no assertion criteria provided. Collection method: clinical testing. Allele origin: germline.
Comment: This variant is classified as likely benign based on ACMG/AMP sequence variant interpretation guidelines (Richards et al. 2015 PMID: 25741868, with internal and published modifications).

NM_001127511.3(APC):c.166-28597C>T

Gene: APC (APC regulator of Wnt signaling pathway; plus strand). Cytogenetic location: 5q22.2.
Variant type: single nucleotide variant.
Coding change: c.166-28597C>T on transcript NM_001127511.3; 28597 bases into the intron before coding-DNA position 166, C replaced by T.
Molecular consequence: intron variant.
Genome position (GRCh38, 1-based): chr5:112,737,729, C>T. VCF-style: chr5-112737729-C-T. GRCh37 (hg19) VCF-style: chr5-112073426-C-T.
Other names: c.-1053-17144C>T (NM_001407470.1, NM_001407472.1); c.-18-17144C>T (NM_001407447.1, NM_001354895.2, NM_001407456.1 and 7 more transcripts); c.166-28597C>T (NM_001407446.1, NM_001354897.2, NM_001354902.2); c.-42-28597C>T (NM_001407453.1).
Identifiers: ClinVar variation 3052565 (VCV003052565.2), dbSNP rs961460476, ClinGen allele CA124951677.